The following is an entry in ClinVar:

NC_000018.9:g.(?_43664248)_(43678197_?)del

Gene: ATP5F1A (ATP synthase F1 subunit alpha; minus strand). Cytogenetic location: 18q21.1.
Variant type: Deletion.
Identifiers: ClinVar variation 2423452 (VCV002423452.3).

ClinVar aggregate classification (germline): Uncertain significance (1 of 4 stars; one submission).

Submission:

Labcorp Genetics (formerly Invitae), Labcorp
Classification: Uncertain significance. Last evaluated: 2022-08-19. Review status: criteria provided, single submitter. Criteria: Invitae Variant Classification Sherloc (09022015). Collection method: clinical testing. Allele origin: germline.
Comment: A gross deletion of the genomic region encompassing the full coding sequence of the ATP5A1 gene has been identified. The current clinical and genetic evidence is not sufficient to establish whether loss-of-function variants in ATP5A1 cause disease. The boundaries of this event are unknown as they extend beyond the assayed region for this gene and therefore may encompass additional genes. This variant has not been reported in the literature in individuals affected with ATP5A1-related conditions. In summary, the available evidence is currently insufficient to determine the role of this variant in disease. Therefore, it has been classified as a Variant of Uncertain Significance.